The following is an entry in ClinVar:

NM_033026.6(PCLO):c.13208A>C (p.Gln4403Pro)

Gene: PCLO (piccolo presynaptic cytomatrix protein; minus strand). Cytogenetic location: 7q21.11.
Variant type: single nucleotide variant.
Coding change: c.13208A>C on transcript NM_033026.6 (MANE Select); coding-DNA position 13208, A replaced by C.
Protein change: p.Gln4403Pro; replaces glutamine 4403 with proline.
Molecular consequence: missense variant.
Genome position (GRCh38, 1-based): chr7:82,914,778, T>G on the plus strand (A>C on the coding strand, the complement: PCLO is on the minus strand). VCF-style: chr7-82914778-T-G. GRCh37 (hg19) VCF-style: chr7-82544094-T-G.
Other names: c.13208A>C, p.Gln4403Pro (NM_014510.3); c.13208A>C (NM_033026.5); short protein forms Q4403P.
Identifiers: ClinVar variation 1513021 (VCV001513021.7), dbSNP rs376895185, ClinGen allele CA4319253.

ClinVar aggregate classification (germline): Uncertain significance. Review status: criteria provided, multiple submitters, no conflicts (2 of 4 stars). 2 submissions from 2 submitters: Uncertain significance (2). Last evaluated 2025-08-12.

Conditions:
Inborn genetic diseases. Identifiers: MedGen C0950123, MeSH D030342.

Allele frequency attached by ClinVar (database versions not stated): gnomAD exomes 0.00001 and 0.00003; gnomAD 0.00002; ExAC 0.00003; TOPMed 0.00003; ESP Exome Variant Server 0.00008.
gnomAD v4.1: 19 of 1,613,362 alleles (0.0012%); highest among the groups gnomAD compares: Non-Finnish European, 0.00017%; no homozygotes.

Submissions (2):

Ambry Genetics
Classification: Uncertain significance for Inborn genetic diseases. Last evaluated: 2025-08-12. Review status: criteria provided, single submitter. Criteria: Ambry Variant Classification Scheme 2023. Collection method: clinical testing. Allele origin: germline.

Labcorp Genetics (formerly Invitae), Labcorp
Classification: Uncertain significance. Last evaluated: 2024-02-24. Review status: criteria provided, single submitter. Criteria: Invitae Variant Classification Sherloc (09022015). Collection method: clinical testing. Allele origin: germline.
Comment: This sequence change replaces glutamine, which is neutral and polar, with proline, which is neutral and non-polar, at codon 4403 of the PCLO protein (p.Gln4403Pro). This variant is present in population databases (rs376895185, gnomAD 0.08%). This variant has not been reported in the literature in individuals affected with PCLO-related conditions. ClinVar contains an entry for this variant (Variation ID: 1513021). Experimental studies and prediction algorithms are not available or were not evaluated, and the functional significance of this variant is currently unknown. In summary, the available evidence is currently insufficient to determine the role of this variant in disease. Therefore, it has been classified as a Variant of Uncertain Significance.